The following is an entry in ClinVar:

ClinVar aggregate classification (germline): Likely pathogenic. Review status: criteria provided, multiple submitters, no conflicts (2 of 4 stars). 3 submissions from 3 submitters: Likely pathogenic (3). Last evaluated 2026-04-03.

Conditions:
Hereditary cancer-predisposing syndrome. Also called: Tumor predisposition; Hereditary neoplastic syndrome; Neoplastic Syndromes, Hereditary; Hereditary Cancer Syndrome. Identifiers: Orphanet 140162, MedGen C0027672, MeSH D009386, MONDO:0015356.
Multiple endocrine neoplasia, type 1 (MEN1). Also called: MEA I; MEN I; WERMER SYNDROME; Endocrine adenomatosis multiple; MEN 1. Identifiers: Orphanet 652, MedGen C0025267, MeSH D018761, MONDO:0007540, OMIM 131100.

gnomAD v4.1: 1 of 1,597,006 alleles (0.000063%); highest among the groups gnomAD compares: Non-Finnish European, 0.000085%; no homozygotes.

Submissions (3):

Ambry Genetics
Classification: Likely pathogenic for Hereditary cancer-predisposing syndrome. Last evaluated: 2026-04-03. Review status: criteria provided, single submitter. Criteria: Ambry Variant Classification Scheme 2023. Collection method: clinical testing. Allele origin: germline.
Comment: The p.R452P variant (also known as c.1355G>C), located in coding exon 9 of the MEN1 gene, results from a G to C substitution at nucleotide position 1355. The arginine at codon 452 is replaced by proline, an amino acid with dissimilar properties. This variant was reported in individual(s) with features consistent with multiple endocrine neoplasia type 1 (external communication; Ambry internal data). This amino acid position is highly conserved in available vertebrate species. In addition, this alteration is predicted to be deleterious by in silico analysis. Based on the majority of available evidence to date, this variant is likely to be pathogenic.

GeneDx
Classification: Likely pathogenic. Last evaluated: 2024-07-15. Review status: criteria provided, single submitter. Criteria: GeneDx Variant Classification Process June 2021. Collection method: clinical testing. Allele origin: germline. Affected: yes.
Comment: Not observed at significant frequency in large population cohorts (gnomAD); In silico analysis supports that this missense variant has a deleterious effect on protein structure/function; Has not been previously published as pathogenic or benign to our knowledge; This variant is associated with the following publications: (PMID: 29036195, 11274402, 11526476)

Labcorp Genetics (formerly Invitae), Labcorp
Classification: Likely pathogenic for Multiple endocrine neoplasia, type 1. Last evaluated: 2023-01-25. Review status: criteria provided, single submitter. Criteria: Invitae Variant Classification Sherloc (09022015). Collection method: clinical testing. Allele origin: germline.
Comment: This sequence change replaces arginine, which is basic and polar, with proline, which is neutral and non-polar, at codon 452 of the MEN1 protein (p.Arg452Pro). This variant is not present in population databases (gnomAD no frequency). This variant has not been reported in the literature in individuals affected with MEN1-related conditions. ClinVar contains an entry for this variant (Variation ID: 485731). Advanced modeling of protein sequence and biophysical properties (such as structural, functional, and spatial information, amino acid conservation, physicochemical variation, residue mobility, and thermodynamic stability) performed at Invitae indicates that this missense variant is expected to disrupt MEN1 protein function. This variant disrupts the p.Arg452 amino acid residue in MEN1. Other variant(s) that disrupt this residue have been determined to be pathogenic (PMID: 29036195; Invitae). This suggests that this residue is clinically significant, and that variants that disrupt this residue are likely to be disease-causing. In summary, the currently available evidence indicates that the variant is pathogenic, but additional data are needed to prove that conclusively. Therefore, this variant has been classified as Likely Pathogenic.

Literature cited by the submitters: PubMed 29036195 (cited by Labcorp Genetics (formerly Invitae), Labcorp).

NM_001370259.2(MEN1):c.1355G>C (p.Arg452Pro)

Gene: MEN1 (menin 1; minus strand). Cytogenetic location: 11q13.1.
Variant type: single nucleotide variant.
Coding change: c.1355G>C on transcript NM_001370259.2 (MANE Select); coding-DNA position 1355, G replaced by C.
Protein change: p.Arg452Pro; replaces arginine 452 with proline.
Molecular consequence: missense variant.
Genome position (GRCh38, 1-based): chr11:64,804,812, C>G on the plus strand (G>C on the coding strand, the complement: MEN1 is on the minus strand). VCF-style: chr11-64804812-C-G. GRCh37 (hg19) VCF-style: chr11-64572284-C-G.
Other names: c.1370G>C, p.Arg457Pro (NM_000244.4, NM_130800.3, NM_130801.3 and 3 more transcripts); c.1481G>C, p.Arg494Pro (NM_001370251.2); c.1355G>C, p.Arg452Pro (NM_001370260.2, NM_001370261.2, NM_130799.3); c.1250G>C, p.Arg417Pro (NM_001370262.2, NM_001370263.2); short protein forms R457P, R452P, R494P, R417P.
Identifiers: ClinVar variation 485731 (VCV000485731.16), dbSNP rs775922507, ClinGen allele CA381179936.
Genomic context (GRCh38, chr11:64,804,812, plus strand): 5'-CCCCACGGCTCCTCGGCCTCGGCCGCCTCGGCCTCTCGGCTCACTATGCGCACCTTCTGC[C>G]GCACCTGGGCCAGTGGGGAGAGCAAGGTGAGAGCAAGGTTGCCGGCCAGTGGCTGGAACT-3'
Protein context (NP_001357188.2, residues 442-462): QSLGRFEGQV[Arg452Pro]QKVRIVSREA